The following is an entry in ClinVar:

ClinVar aggregate classification (germline): Uncertain significance. Review status: criteria provided, multiple submitters, no conflicts (2 of 4 stars). 2 submissions from 2 submitters: Uncertain significance (2). Last evaluated 2024-04-06.

Conditions:
Epileptic encephalopathy. Identifiers: MedGen C0543888, HP:0200134.

Submissions (2):

Ambry Genetics
Classification: Uncertain significance. Last evaluated: 2024-04-06. Review status: criteria provided, single submitter. Criteria: Ambry Variant Classification Scheme 2023. Collection method: clinical testing. Allele origin: germline.

Labcorp Genetics (formerly Invitae), Labcorp
Classification: Uncertain significance for Epileptic encephalopathy. Last evaluated: 2020-01-27. Review status: criteria provided, single submitter. Criteria: Invitae Variant Classification Sherloc (09022015). Collection method: clinical testing. Allele origin: germline.
Comment: This sequence change replaces alanine with valine at codon 3122 of the RYR3 protein (p.Ala3122Val). The alanine residue is highly conserved and there is a small physicochemical difference between alanine and valine. This variant is not present in population databases (ExAC no frequency). This variant has not been reported in the literature in individuals with RYR3-related conditions. Algorithms developed to predict the effect of missense changes on protein structure and function are either unavailable or do not agree on the potential impact of this missense change (SIFT: "Deleterious"; PolyPhen-2: "Benign"; Align-GVGD: "Class C0"). In summary, the available evidence is currently insufficient to determine the role of this variant in disease. Therefore, it has been classified as a Variant of Uncertain Significance.

NM_001036.6(RYR3):c.9365C>T (p.Ala3122Val)

Gene: RYR3 (ryanodine receptor 3; plus strand). Cytogenetic location: 15q14.
Variant type: single nucleotide variant.
Coding change: c.9365C>T on transcript NM_001036.6 (MANE Select); coding-DNA position 9365, C replaced by T.
Protein change: p.Ala3122Val; replaces alanine 3122 with valine.
Molecular consequence: missense variant.
Genome position (GRCh38, 1-based): chr15:33,785,758, C>T. VCF-style: chr15-33785758-C-T. GRCh37 (hg19) VCF-style: chr15-34077959-C-T.
Other names: c.9365C>T (NM_001036.3); c.9365C>T, p.Ala3122Val (NM_001243996.4); short protein forms A3122V.
Identifiers: ClinVar variation 1042427 (VCV001042427.10), dbSNP rs2074669089, ClinGen allele CA391590341.